The following is an entry in ClinVar:

NM_000094.4(COL7A1):c.3374C>T (p.Pro1125Leu)

Gene: COL7A1 (collagen type VII alpha 1 chain; minus strand). Cytogenetic location: 3p21.31.
Variant type: single nucleotide variant.
Coding change: c.3374C>T on transcript NM_000094.4 (MANE Select); coding-DNA position 3374, C replaced by T.
Protein change: p.Pro1125Leu; replaces proline 1125 with leucine.
Molecular consequence: missense variant.
Genome position (GRCh38, 1-based): chr3:48,586,592, G>A on the plus strand (C>T on the coding strand, the complement: COL7A1 is on the minus strand). VCF-style: chr3-48586592-G-A. GRCh37 (hg19) VCF-style: chr3-48624025-G-A.
Other names: short protein forms P1125L.
Identifiers: ClinVar variation 1421475 (VCV001421475.7), dbSNP rs1357938616, ClinGen allele CA352706700.

ClinVar aggregate classification (germline): Uncertain significance (1 of 4 stars; one submission).

Allele frequency attached by ClinVar (database versions not stated): gnomAD exomes below 0.00001 and 0.00001; TOPMed below 0.00001; gnomAD 0.00001.
gnomAD v4.1: 4 of 1,613,652 alleles (0.00025%); highest among the groups gnomAD compares: Non-Finnish European, 0.00034%; no homozygotes.

Submission:

Labcorp Genetics (formerly Invitae), Labcorp
Classification: Uncertain significance. Last evaluated: 2025-07-16. Review status: criteria provided, single submitter. Criteria: Invitae Variant Classification Sherloc (09022015). Collection method: clinical testing. Allele origin: germline.
Comment: This sequence change replaces proline, which is neutral and non-polar, with leucine, which is neutral and non-polar, at codon 1125 of the COL7A1 protein (p.Pro1125Leu). This variant is present in population databases (no rsID available, gnomAD 0.002%). This variant has not been reported in the literature in individuals affected with COL7A1-related conditions. ClinVar contains an entry for this variant (Variation ID: 1421475). Invitae Evidence Modeling of protein sequence and biophysical properties (such as structural, functional, and spatial information, amino acid conservation, physicochemical variation, residue mobility, and thermodynamic stability) indicates that this missense variant is not expected to disrupt COL7A1 protein function with a negative predictive value of 95%. In summary, the available evidence is currently insufficient to determine the role of this variant in disease. Therefore, it has been classified as a Variant of Uncertain Significance.